The following is an entry in ClinVar:

ClinVar aggregate classification (germline): Uncertain significance (1 of 4 stars; one submission).

Conditions:
Glycogen storage disease, type IV (GSD4). Also called: Glycogen storage disease due to glycogen branching enzyme deficiency; AMYLOPECTINOSIS; ANDERSEN DISEASE; BRANCHER DEFICIENCY; CIRRHOSIS, FAMILIAL, WITH DEPOSITION OF ABNORMAL GLYCOGEN; GBE1 DEFICIENCY. Identifiers: Orphanet 367, MedGen C0017923, MONDO:0009292, OMIM 232500.
Glycogen storage disease IV, classic hepatic. Also called: GSD IV, CLASSIC HEPATIC. Identifiers: MedGen C1856301.

Allele frequency attached by ClinVar (database versions not stated): gnomAD exomes below 0.00001.
gnomAD v4.1: 4 of 1,610,032 alleles (0.00025%); highest among the groups gnomAD compares: Non-Finnish European, 0.00025%; no homozygotes.

Submission:

Labcorp Genetics (formerly Invitae), Labcorp
Classification: Uncertain significance for Glycogen storage disease, type IV; Glycogen storage disease IV, classic hepatic. Last evaluated: 2024-10-15. Review status: criteria provided, single submitter. Criteria: Invitae Variant Classification Sherloc (09022015). Collection method: clinical testing. Allele origin: germline.
Comment: This sequence change replaces leucine with valine at codon 395 of the GBE1 protein (p.Leu395Val). The leucine residue is highly conserved and there is a small physicochemical difference between leucine and valine. This variant is present in population databases (no rsID available, gnomAD 0.0009%). This variant has not been reported in the literature in individuals affected with GBE1-related conditions. ClinVar contains an entry for this variant (Variation ID: 1521694). Invitae Evidence Modeling of protein sequence and biophysical properties (such as structural, functional, and spatial information, amino acid conservation, physicochemical variation, residue mobility, and thermodynamic stability) indicates that this missense variant is not expected to disrupt GBE1 protein function with a negative predictive value of 95%. In summary, the available evidence is currently insufficient to determine the role of this variant in disease. Therefore, it has been classified as a Variant of Uncertain Significance.

NM_000158.4(GBE1):c.1183T>G (p.Leu395Val)

Gene: GBE1 (1,4-alpha-glucan branching enzyme 1; minus strand). Cytogenetic location: 3p12.2.
Variant type: single nucleotide variant.
Coding change: c.1183T>G on transcript NM_000158.4 (MANE Select); coding-DNA position 1183, T replaced by G.
Protein change: p.Leu395Val; replaces leucine 395 with valine.
Molecular consequence: missense variant.
Genome position (GRCh38, 1-based): chr3:81,591,090, A>C on the plus strand (T>G on the coding strand, the complement: GBE1 is on the minus strand). VCF-style: chr3-81591090-A-C. GRCh37 (hg19) VCF-style: chr3-81640241-A-C.
Other names: short protein forms L395V.
Identifiers: ClinVar variation 1521694 (VCV001521694.5), dbSNP rs1269189934, ClinGen allele CA353685533.